The following is an entry in ClinVar:

NM_198578.4(LRRK2):c.4925C>T (p.Pro1642Leu)

Gene: LRRK2 (leucine rich repeat kinase 2; plus strand). Cytogenetic location: 12q12.
Variant type: single nucleotide variant.
Coding change: c.4925C>T on transcript NM_198578.4 (MANE Select); coding-DNA position 4925, C replaced by T.
Protein change: p.Pro1642Leu; replaces proline 1642 with leucine.
Molecular consequence: missense variant.
Genome position (GRCh38, 1-based): chr12:40,320,085, C>T. VCF-style: chr12-40320085-C-T. GRCh37 (hg19) VCF-style: chr12-40713887-C-T.
Other names: short protein forms P1642L.
Identifiers: ClinVar variation 2624901 (VCV002624901.2), dbSNP rs2499873643, ClinGen allele CA384419595.

ClinVar aggregate classification (germline): Uncertain significance (1 of 4 stars; one submission).

Conditions:
Inborn genetic diseases. Identifiers: MedGen C0950123, MeSH D030342.

Allele frequency attached by ClinVar (database versions not stated): gnomAD exomes below 0.00001.
gnomAD v4.1: 1 of 1,611,284 alleles (0.000062%); highest among the groups gnomAD compares: Non-Finnish European, 0.000085%; no homozygotes.

Submission:

Ambry Genetics
Classification: Uncertain significance for Inborn genetic diseases. Last evaluated: 2023-08-06. Review status: criteria provided, single submitter. Criteria: Ambry Variant Classification Scheme 2023. Collection method: clinical testing. Allele origin: germline.
Comment: The p.P1642L variant (also known as c.4925C>T), located in coding exon 34 of the LRRK2 gene, results from a C to T substitution at nucleotide position 4925. The proline at codon 1642 is replaced by leucine, an amino acid with similar properties. This amino acid position is conserved. In addition, the in silico prediction for this alteration is inconclusive. Since supporting evidence is limited at this time, the clinical significance of this alteration remains unclear.